The following is an entry in ClinVar:

ClinVar aggregate classification (germline): Likely pathogenic (1 of 4 stars; one submission).

Conditions:
Ataxia-telangiectasia syndrome (AT). Also called: AT, COMPLEMENTATION GROUP C; Cerebello-oculocutaneous telangiectasia; Immunodeficiency with ataxia telangiectasia; Ataxia-telangiectasia, complementation group D; Ataxia-telangiectasia; LOUIS-BAR SYNDROME. Identifiers: Orphanet 100, MedGen C0004135, MONDO:0008840, OMIM 208900.

Submission:

Neuberg Centre For Genomic Medicine, NCGM
Classification: Likely pathogenic for Ataxia-telangiectasia syndrome. Review status: criteria provided, single submitter. Criteria: ACMG Guidelines, 2015. Collection method: clinical testing. Allele origin: germline. Affected: yes.
Comment: The observed frameshift variant c.3977delp.Asn1326ThrfsTer23 in the ATM gene has not been reported previously as a pathogenic variant nor as a benign variant, to our knowledge. This variant is absent in the gnomAD Exomes. This variant causes a frameshift starting with codon Asparagine 1326, changes this amino acid to Threonine residue, and creates a premature Stop codon at position 23 of the new reading frame, denoted p.Asn1326ThrfsTer23. This variant is predicted to cause loss of normal protein function through protein truncation. Loss of function variants have been previously reported to be disease causing Shalash AS, et al., 2021. For these reasons, this variant has been classified as Likely Pathogenic.

NM_000051.4(ATM):c.3977del (p.Asn1326fs)

Gene: ATM (ATM serine/threonine kinase; plus strand). Cytogenetic location: 11q22.3.
Variant type: Deletion.
Coding change: c.3977del on transcript NM_000051.4 (MANE Select); coding-DNA position 3977, one base deleted (A; older notation c.3977delA).
Protein change: p.Asn1326fs; shifts the reading frame from asparagine 1326.
Molecular consequence: frameshift variant.
Genome position (GRCh38, 1-based): chr11:108,284,457, A deleted; the last of 4 consecutive A bases (chr11:108,284,454-108,284,457); deleting any one gives the same sequence. VCF-style (leftmost placement, unchanged base first): chr11-108284453-GA-G. GRCh37 (hg19) VCF-style: chr11-108155180-GA-G.
Other names: c.3977del, p.Asn1326fs (NM_001351834.2); short protein forms N1326fs.
Identifiers: ClinVar variation 3391322 (VCV003391322.1).